The following is an entry in ClinVar:

ClinVar aggregate classification (germline): Uncertain significance. Review status: criteria provided, multiple submitters, no conflicts (2 of 4 stars). 2 submissions from 2 submitters: Uncertain significance (2). Last evaluated 2024-11-18.

gnomAD v4.1: 97 of 764,380 alleles (0.013%); highest among the groups gnomAD compares: South Asian, 0.063%; no homozygotes.

Submissions (2):

Blueprint Genetics
Classification: Uncertain significance. Last evaluated: 2024-11-18. Review status: criteria provided, single submitter. Criteria: ACMG Guidelines, 2015. Collection method: clinical testing. Allele origin: germline.

Labcorp Genetics (formerly Invitae), Labcorp
Classification: Uncertain significance. Last evaluated: 2022-08-15. Review status: criteria provided, single submitter. Criteria: Invitae Variant Classification Sherloc (09022015). Collection method: clinical testing. Allele origin: germline.
Comment: ClinVar contains an entry for this variant (Variation ID: 1476725). In summary, the available evidence is currently insufficient to determine the role of this variant in disease. Therefore, it has been classified as a Variant of Uncertain Significance. Experimental studies and prediction algorithms are not available or were not evaluated, and the functional significance of this variant is currently unknown. This variant has not been reported in the literature in individuals affected with SNORD118-related conditions. This variant is present in population databases (rs758890705, gnomAD 0.05%). This variant occurs in the SNORD118 gene, which encodes an RNA molecule that does not result in a protein product.

NR_033294.2(SNORD118):n.120A>G

Genes: SNORD118 (small nucleolar RNA, C/D box 118; minus strand), TMEM107 (transmembrane protein 107; minus strand). Cytogenetic location: 17p13.1.
Variant type: single nucleotide variant.
Molecular consequence: non-coding transcript variant (on NR_033294.2). On other transcripts: 3 prime UTR variant (5).
Genome position: GRCh38 VCF-style: chr17-8173469-T-C. GRCh37 (hg19) VCF-style: chr17-8076787-T-C.
Other names: c.*734A>G (NM_001351278.2, NM_001351279.2, NM_001351280.2 and 2 more transcripts).
Identifiers: ClinVar variation 1476725 (VCV001476725.7), dbSNP rs758890705, ClinGen allele CA8370588.